The following is an entry in ClinVar:

NM_017780.4(CHD7):c.1870G>T (p.Val624Leu)

Genes: CHD7 (chromodomain helicase DNA binding protein 7; plus strand), LOC126860403 (CDK7 strongly-dependent group 2 enhancer GRCh37_chr8:61693034-61694233; plus strand). Cytogenetic location: 8q12.2.
Variant type: single nucleotide variant.
Coding change: c.1870G>T on transcript NM_017780.4 (MANE Select); coding-DNA position 1870, G replaced by T.
Protein change: p.Val624Leu; replaces valine 624 with leucine.
Molecular consequence: missense variant. On other transcripts: intron variant (1).
Genome position (GRCh38, 1-based): chr8:60,781,204, G>T. VCF-style: chr8-60781204-G-T. GRCh37 (hg19) VCF-style: chr8-61693763-G-T.
Other names: c.1716+154G>T (NM_001316690.1); short protein forms V624L.
Identifiers: ClinVar variation 4745793 (VCV004745793.1).

ClinVar aggregate classification (germline): Uncertain significance (1 of 4 stars; one submission).

Conditions:
CHARGE syndrome (CHARGE). Also called: Hittner Hirsch Kreh syndrome; CHARGE ASSOCIATION--COLOBOMA, HEART ANOMALY, CHOANAL ATRESIA, RETARDATION, GENITAL AND EAR ANOMALIES; Coloboma, heart anomaly, choanal atresia, retardation, genital and ear anomalies; CHARGE association; Hall-Hittner syndrome. Identifiers: Orphanet 138, MedGen C0265354, MONDO:0008965.

gnomAD v4.1: 1 of 1,599,378 alleles (0.000063%); highest among the groups gnomAD compares: South Asian, 0.0011%; no homozygotes.

Submission:

Labcorp Genetics (formerly Invitae), Labcorp
Classification: Uncertain significance for CHARGE syndrome. Last evaluated: 2025-05-21. Review status: criteria provided, single submitter. Criteria: Invitae Variant Classification Sherloc (09022015). Collection method: clinical testing. Allele origin: germline.
Comment: This sequence change replaces valine, which is neutral and non-polar, with leucine, which is neutral and non-polar, at codon 624 of the CHD7 protein (p.Val624Leu). This variant is not present in population databases (gnomAD no frequency). This variant has not been reported in the literature in individuals affected with CHD7-related conditions. Invitae Evidence Modeling of protein sequence and biophysical properties (such as structural, functional, and spatial information, amino acid conservation, physicochemical variation, residue mobility, and thermodynamic stability) indicates that this missense variant is not expected to disrupt CHD7 protein function with a negative predictive value of 95%. In summary, the available evidence is currently insufficient to determine the role of this variant in disease. Therefore, it has been classified as a Variant of Uncertain Significance.